The following is an entry in ClinVar:

NM_001369.3(DNAH5):c.4037A>T (p.Tyr1346Phe)

Genes: DNAH5 (dynein axonemal heavy chain 5; minus strand), DNAH5-AS1 (DNAH5 antisense RNA 1; plus strand). Cytogenetic location: 5p15.2.
Variant type: single nucleotide variant.
Coding change: c.4037A>T on transcript NM_001369.3 (MANE Select); coding-DNA position 4037, A replaced by T.
Protein change: p.Tyr1346Phe; replaces tyrosine 1346 with phenylalanine.
Molecular consequence: missense variant.
Genome position (GRCh38, 1-based): chr5:13,867,790, T>A on the plus strand (A>T on the coding strand, the complement: DNAH5 is on the minus strand). VCF-style: chr5-13867790-T-A. GRCh37 (hg19) VCF-style: chr5-13867899-T-A.
Other names: short protein forms Y1346F.
Identifiers: ClinVar variation 1737244 (VCV001737244.2), dbSNP rs1000251156, ClinGen allele CA113978669.

ClinVar aggregate classification (germline): Uncertain significance (1 of 4 stars; one submission).

Conditions:
Primary ciliary dyskinesia. Also called: Ciliary dyskinesia. Identifiers: Orphanet 244, MedGen C0008780, MONDO:0016575, HP:0012265.

Allele frequency attached by ClinVar (database versions not stated): gnomAD 0.00001; gnomAD exomes 0.00001.
gnomAD v4.1: 9 of 1,613,684 alleles (0.00056%); highest among the groups gnomAD compares: Non-Finnish European, 0.00076%; no homozygotes.

Submission:

Ambry Genetics
Classification: Uncertain significance for Primary ciliary dyskinesia. Last evaluated: 2018-02-02. Review status: criteria provided, single submitter. Criteria: Ambry Variant Classification Scheme 2023. Collection method: clinical testing. Allele origin: germline.
Comment: The p.Y1346F variant (also known as c.4037A>T), located in coding exon 25 of the DNAH5 gene, results from an A to T substitution at nucleotide position 4037. The tyrosine at codon 1346 is replaced by phenylalanine, an amino acid with highly similar properties. This amino acid position is highly conserved in available vertebrate species. In addition, this alteration is predicted to be tolerated by in silico analysis. Since supporting evidence is limited at this time, the clinical significance of this alteration remains unclear.